The following is an entry in ClinVar:

ClinVar aggregate classification (germline): Pathogenic. Review status: criteria provided, multiple submitters, no conflicts (2 of 4 stars). 2 submissions from 2 submitters: Pathogenic (2). Last evaluated 2023-09-04.

Conditions:
ADNP-related multiple congenital anomalies - intellectual disability - autism spectrum disorder. Also called: Helsmoortel-Van der Aa Syndrome; ADNP-Related Helsmoortel-Van der Aa Syndrome. Identifiers: Orphanet 404448, MedGen C4014538, MONDO:0014379, OMIM 615873. Disease mechanism: loss of function.

Submissions (2):

GeneDx
Classification: Pathogenic. Last evaluated: 2023-09-04. Review status: criteria provided, single submitter. Criteria: GeneDx Variant Classification Process June 2021. Collection method: clinical testing. Allele origin: germline. Affected: yes.
Comment: Nonsense variant predicted to result in protein truncation, as the last 884 amino acids are lost, and other loss-of-function variants have been reported downstream in HGMD; Not observed at significant frequency in large population cohorts (gnomAD); This variant is associated with the following publications: (PMID: 34008892)

Laboratory of Medical Genetics, National & Kapodistrian University of Athens
Classification: Pathogenic for ADNP-related multiple congenital anomalies - intellectual disability - autism spectrum disorder. Last evaluated: 2021-08-10. Review status: criteria provided, single submitter. Criteria: ACMG Guidelines, 2015. Collection method: clinical testing. Allele origin: de novo. Affected: yes.
Comment: PVS1, PS2, PM2, PP3

Literature cited by the submitters: PubMed 34008892 (cited by Laboratory of Medical Genetics, National & Kapodistrian University of Athens).

NM_001282531.3(ADNP):c.655_656del (p.Glu218_Ser219insTer)

Gene: ADNP (activity dependent neuroprotector homeobox; minus strand). Cytogenetic location: 20q13.13.
Variant type: Microsatellite.
Coding change: c.655_656del on transcript NM_001282531.3 (MANE Select); coding-DNA positions 655 to 656, 2 bases deleted (AG; older notation c.655_656delAG).
Protein change: p.Glu218_Ser219insTer.
Molecular consequence: nonsense.
Genome position (GRCh38, 1-based): chr20:50,894,058-50,894,059, CT deleted on the plus strand (AG on the coding strand, the reverse complement: ADNP is on the minus strand); deleting any 2 consecutive bases within chr20:50,894,058-50,894,063 gives the same sequence; the c. name uses the placement nearest the transcript's 3' end. VCF-style (leftmost placement, unchanged base first): chr20-50894057-ACT-A. GRCh37 (hg19) VCF-style: chr20-49510594-ACT-A.
Other names: c.655_656del, p.Glu218_Ser219insTer (NM_001282532.2, NM_001347511.2, NM_015339.5 and 1 more transcripts); c.655_656del (NM_015339.2); c.655_656delAG (NM_181442.4).
Identifiers: ClinVar variation 1299548 (VCV001299548.2), dbSNP rs2122761731, ClinGen allele CA2580616340.